The following is an entry in ClinVar:

NM_004360.5(CDH1):c.2594G>T (p.Trp865Leu)

Gene: CDH1 (cadherin 1; plus strand). Cytogenetic location: 16q22.1.
Variant type: single nucleotide variant.
Coding change: c.2594G>T on transcript NM_004360.5 (MANE Select); coding-DNA position 2594, G replaced by T.
Protein change: p.Trp865Leu; replaces tryptophan 865 with leucine.
Molecular consequence: missense variant.
Genome position (GRCh38, 1-based): chr16:68,833,444, G>T. VCF-style: chr16-68833444-G-T. GRCh37 (hg19) VCF-style: chr16-68867347-G-T.
Other names: c.2411G>T, p.Trp804Leu (NM_001317184.2); c.1046G>T, p.Trp349Leu (NM_001317185.2); c.629G>T, p.Trp210Leu (NM_001317186.2); short protein forms W210L, W349L, W865L, W804L.
Identifiers: ClinVar variation 3644265 (VCV003644265.3).

ClinVar aggregate classification (germline): Uncertain significance. Review status: criteria provided, multiple submitters, no conflicts (2 of 4 stars). 2 submissions from 2 submitters: Uncertain significance (2). Last evaluated 2026-08-23.

Conditions:
Hereditary diffuse gastric adenocarcinoma (HDGC). Also called: DIFFUSE GASTRIC AND LOBULAR BREAST CANCER SYNDROME. Identifiers: Orphanet 26106, MedGen C1708349, MONDO:0007648, OMIM 137215.
Hereditary cancer-predisposing syndrome. Also called: Tumor predisposition; Hereditary neoplastic syndrome; Hereditary Cancer Syndrome; Neoplastic Syndromes, Hereditary. Identifiers: Orphanet 140162, MedGen C0027672, MeSH D009386, MONDO:0015356.

gnomAD v4.1: 1 of 1,614,158 alleles (0.000062%); highest among the groups gnomAD compares: South Asian, 0.0011%; no homozygotes.

Submissions (2):

Ambry Genetics
Classification: Uncertain significance for Hereditary cancer-predisposing syndrome. Last evaluated: 2026-08-23. Review status: criteria provided, single submitter. Criteria: Ambry Variant Classification Scheme 2023. Collection method: clinical testing. Allele origin: germline.

Labcorp Genetics (formerly Invitae), Labcorp
Classification: Uncertain significance for Hereditary diffuse gastric adenocarcinoma. Last evaluated: 2024-03-03. Review status: criteria provided, single submitter. Criteria: Invitae Variant Classification Sherloc (09022015). Collection method: clinical testing. Allele origin: germline.
Comment: This sequence change replaces tryptophan, which is neutral and slightly polar, with leucine, which is neutral and non-polar, at codon 865 of the CDH1 protein (p.Trp865Leu). This variant is not present in population databases (gnomAD no frequency). This variant has not been reported in the literature in individuals affected with CDH1-related conditions. An algorithm developed to predict the effect of missense changes on protein structure and function (PolyPhen-2) suggests that this variant is likely to be disruptive. In summary, the available evidence is currently insufficient to determine the role of this variant in disease. Therefore, it has been classified as a Variant of Uncertain Significance.